The following is an entry in ClinVar:

ClinVar aggregate classification (germline): Conflicting classifications of pathogenicity. Review status: criteria provided, conflicting classifications (1 of 4 stars). 6 submissions from 6 submitters: Uncertain significance (3); Benign (1); Likely benign (2). Last evaluated 2026-01-24.

Conditions:
Inborn genetic diseases. Identifiers: MedGen C0950123, MeSH D030342.
Hereditary spastic paraplegia 11. Also called: Nakamura Osame syndrome; Autosomal recessive hereditary spastic paraplegia, mental impairment, and thin corpus callosum; SPASTIC PARAPLEGIA, AUTOSOMAL RECESSIVE, COMPLICATED, WITH THIN CORPUS CALLOSUM; SPASTIC PARAPLEGIA, AUTOSOMAL RECESSIVE, WITH MENTAL IMPAIRMENT AND THIN CORPUS CALLOSUM; Spastic Paraplegia 11; Spastic paraplegia, mental retardation and thin corpus callosum. Identifiers: Orphanet 2822, MedGen C1858479, MONDO:0011445, OMIM 604360.

Allele frequency attached by ClinVar (database versions not stated): TOPMed 0.00035; ExAC 0.00070; gnomAD exomes 0.00070; 1000 Genomes Project 30x 0.00172; 1000 Genomes Project 0.00180; gnomAD 0.00026 and 0.00034.
gnomAD v4.1: 324 of 1,614,070 alleles (0.02%); highest among the groups gnomAD compares: East Asian, 0.62%; 2 homozygotes.

Submissions (6):

Labcorp Genetics (formerly Invitae), Labcorp
Classification: Benign for Hereditary spastic paraplegia 11. Last evaluated: 2026-01-24. Review status: criteria provided, single submitter. Criteria: Invitae Variant Classification Sherloc (09022015). Collection method: clinical testing. Allele origin: germline.

GeneDx
Classification: Uncertain significance. Last evaluated: 2025-03-26. Review status: criteria provided, single submitter. Criteria: GeneDx Variant Classification Process June 2021. Collection method: clinical testing. Allele origin: germline. Affected: yes.
Comment: Reported previously in individuals with amyotrophic lateral sclerosis; however, a second SPG11 variant was not reported (PMID: 26601740, 32166880); In silico analysis supports that this missense variant has a deleterious effect on protein structure/function; This variant is associated with the following publications: (PMID: 29908077, 31900114, 32166880, 25668207, 32729724, 26601740, 39988772, 37952009)

Blueprint Genetics
Classification: Likely benign. Last evaluated: 2024-11-08. Review status: criteria provided, single submitter. Criteria: ACMG Guidelines, 2015. Collection method: clinical testing. Allele origin: germline.

Mayo Clinic Laboratories, Mayo Clinic
Classification: Uncertain significance. Last evaluated: 2023-03-22. Review status: criteria provided, single submitter. Criteria: ACMG Guidelines, 2015. Collection method: clinical testing. Allele origin: germline. Observed: 4 variant alleles.
Comment: BS1

Ambry Genetics
Classification: Likely benign for Inborn genetic diseases. Last evaluated: 2020-08-27. Review status: criteria provided, single submitter. Criteria: Ambry Variant Classification Scheme 2023. Collection method: clinical testing. Allele origin: germline.

Illumina Laboratory Services, Illumina
Classification: Uncertain significance for Hereditary spastic paraplegia 11. Last evaluated: 2018-01-12. Review status: criteria provided, single submitter. Criteria: ICSL Variant Classification Criteria 13 December 2019. Collection method: clinical testing. Allele origin: germline.

Literature cited by the submitters: PubMed 26601740 (cited by Mayo Clinic Laboratories, Mayo Clinic); PubMed 31900114 (cited by Mayo Clinic Laboratories, Mayo Clinic); PubMed 32166880 (cited by Mayo Clinic Laboratories, Mayo Clinic); PubMed 32729724 (cited by Mayo Clinic Laboratories, Mayo Clinic).

NM_025137.4(SPG11):c.6284T>C (p.Leu2095Ser)

Gene: SPG11 (SPG11 vesicle trafficking associated, spatacsin; minus strand). Cytogenetic location: 15q21.1.
Variant type: single nucleotide variant.
Coding change: c.6284T>C on transcript NM_025137.4 (MANE Select); coding-DNA position 6284, T replaced by C.
Protein change: p.Leu2095Ser; replaces leucine 2095 with serine.
Molecular consequence: missense variant.
Genome position (GRCh38, 1-based): chr15:44,572,742, A>G on the plus strand (T>C on the coding strand, the complement: SPG11 is on the minus strand). VCF-style: chr15-44572742-A-G. GRCh37 (hg19) VCF-style: chr15-44864940-A-G.
Other names: p.Leu2095Ser; c.5945T>C, p.Leu1982Ser (NM_001160227.2); short protein forms L2095S, L1982S.
Identifiers: ClinVar variation 316081 (VCV000316081.22), dbSNP rs185665930, ClinGen allele CA7534186.
Genomic context (GRCh38, chr15:44,572,742, plus strand): 5'-CTGCAAGACAGTTCCCCATGGGGAACGGAGGAAATCTTATCCAACAACTTCATGCCTACC[A>G]ATGTGCGGTCTTGACACAGAGTGGTCAGCTGAAGAAATGTCTGGCTTTCCTCTGTTGGGT-3'
Protein context (NP_079413.3, residues 2085-2105): QLTTLCQDRT[Leu2095Ser]VGMKLLDKIS